The following is an entry in ClinVar:

ClinVar aggregate classification (germline): Benign/Likely benign. Review status: criteria provided, multiple submitters, no conflicts (2 of 4 stars). 2 submissions from 2 submitters: Benign (1); Likely benign (1). Last evaluated 2026-02-01.

Conditions:
Spastic paraplegia. Identifiers: MedGen C0037772, HP:0001258.

Allele frequency attached by ClinVar (database versions not stated): ExAC 0.00002; 1000 Genomes Project 0.00026; 1000 Genomes Project 30x 0.00042.
gnomAD v4.1: 15 of 1,207,211 alleles (0.0012%); highest among the groups gnomAD compares: South Asian, 0.016%; no homozygotes.

Submissions (2):

CeGaT Center for Human Genetics Tuebingen
Classification: Likely benign. Last evaluated: 2026-02-01. Review status: criteria provided, single submitter. Criteria: CeGaT Center For Human Genetics Tuebingen Variant Classification Criteria Version 2. Collection method: clinical testing. Allele origin: germline. Affected: yes. Observed: 1 variant allele.
Comment: L1CAM: BP4, BP7, BS2

Labcorp Genetics (formerly Invitae), Labcorp
Classification: Benign for Spastic paraplegia. Last evaluated: 2023-11-11. Review status: criteria provided, single submitter. Criteria: Invitae Variant Classification Sherloc (09022015). Collection method: clinical testing. Allele origin: germline.

NM_001278116.2(L1CAM):c.2202G>A (p.Thr734=)

Gene: L1CAM (L1 cell adhesion molecule; minus strand). Cytogenetic location: Xq28.
Variant type: single nucleotide variant.
Coding change: c.2202G>A on transcript NM_001278116.2 (MANE Select); coding-DNA position 2202, G replaced by A.
Protein change: p.Thr734=; no amino-acid change (threonine 734 retained).
Molecular consequence: synonymous variant.
Genome position (GRCh38, 1-based): chrX:153,867,060, C>T on the plus strand (G>A on the coding strand, the complement: L1CAM is on the minus strand). VCF-style: chrX-153867060-C-T. GRCh37 (hg19) VCF-style: chrX-153132515-C-T.
Other names: c.2202G>A, p.Thr734= (NM_000425.5, NM_024003.3); c.2187G>A, p.Thr729= (NM_001143963.2).
Identifiers: ClinVar variation 2694920 (VCV002694920.7), dbSNP rs201721421, ClinGen allele CA10554222.